The following is an entry in ClinVar:

ClinVar aggregate classification (germline): Likely pathogenic (1 of 4 stars; one submission).

Conditions:
Primary ciliary dyskinesia 23 (CILD23). Also called: CILIARY DYSKINESIA, PRIMARY, 23, WITH OR WITHOUT SITUS INVERSUS. Identifiers: Orphanet 244, MedGen C3809548, MONDO:0014193, OMIM 615451.

Submission:

Labcorp Genetics (formerly Invitae), Labcorp
Classification: Likely pathogenic for Primary ciliary dyskinesia 23. Last evaluated: 2017-11-28. Review status: criteria provided, single submitter. Criteria: Invitae Variant Classification Sherloc (09022015). Collection method: clinical testing. Allele origin: germline.
Comment: In summary, the currently available evidence indicates that the variant is pathogenic, but additional data are needed to prove that conclusively. Therefore, this variant has been classified as Likely Pathogenic. Donor and acceptor splice site variants typically lead to a loss of protein function (PMID: 16199547), and loss-of-function variants in ARMC4 are known to be pathogenic (PMID: 23849778). Algorithms developed to predict the effect of sequence changes on RNA splicing suggest that this variant may disrupt the consensus splice site, but this prediction has not been confirmed by published transcriptional studies. This variant has not been reported in the literature in individuals with ARMC4-related disease. While this variant is not present in population databases, the frequency information is unreliable, as metrics indicate poor data quality at this position in the ExAC database. This sequence change affects an acceptor splice site in intron 8 of the ARMC4 gene. It is expected to disrupt RNA splicing and likely results in an absent or disrupted protein product.

Literature cited by the submitters: PubMed 16199547; PubMed 23849778.

NM_018076.5(ODAD2):c.1143-1G>T

Gene: ODAD2 (outer dynein arm docking complex subunit 2; minus strand). Cytogenetic location: 10p12.1.
Variant type: single nucleotide variant.
Coding change: c.1143-1G>T on transcript NM_018076.5 (MANE Select); the canonical splice acceptor site of the intron before coding-DNA position 1143, G replaced by T.
Molecular consequence: splice acceptor variant. On other transcripts: intron variant (1).
Genome position (GRCh38, 1-based): chr10:27,969,019, C>A on the plus strand (G>T on the coding strand, the complement: ODAD2 is on the minus strand). VCF-style: chr10-27969019-C-A. GRCh37 (hg19) VCF-style: chr10-28257948-C-A.
Other names: c.1143-1G>T (NM_001290020.2); c.219-1G>T (NM_001312689.2); c.-187-7304G>T (NM_001290021.2).
Identifiers: ClinVar variation 541494 (VCV000541494.7), dbSNP rs1554822213, ClinGen allele CA376393848.